The following is an entry in ClinVar:

NM_000330.4(RS1):c.643G>A (p.Glu215Lys)

Genes: CDKL5 (cyclin dependent kinase like 5; plus strand), RS1 (retinoschisin 1; minus strand). Cytogenetic location: Xp22.13.
Variant type: single nucleotide variant.
Coding change: c.643G>A on transcript NM_000330.4 (MANE Select); coding-DNA position 643, G replaced by A.
Protein change: p.Glu215Lys; replaces glutamic acid 215 with lysine.
Molecular consequence: missense variant. On other transcripts: intron variant (2).
Genome position (GRCh38, 1-based): chrX:18,642,036, C>T on the plus strand (G>A on the coding strand, the complement: RS1 is on the minus strand). VCF-style: chrX-18642036-C-T. GRCh37 (hg19) VCF-style: chrX-18660156-C-T.
Other names: NM_000330.4(RS1):c.643G>A; c.2714-3971C>T (NM_003159.3, NM_001037343.2); short protein forms E215K.
Identifiers: ClinVar variation 99012 (VCV000099012.4), dbSNP rs281865367, ClinGen allele CA226835.
Genomic context (GRCh38, chrX:18,642,036, plus strand): 5'-CCTGGCAGGCGCCGAGCTGAGGCAGGCATCAGGCACACTTGCTGACGCACTCCAGCAGCT[C>T]CATCCGGATGGCAATGCGGACGTGCCAGCCCAGCGGGATGAGGCGGATGAAGCGGGAGAT-3'
Protein context (NP_000321.1, residues 205-224): GWHVRIAIRM[Glu215Lys]LLECVSKCA

ClinVar aggregate classification (germline): Likely pathogenic. Review status: reviewed by expert panel (3 of 4 stars). 2 submissions from 2 submitters: Likely pathogenic (1). 1 of the submissions does not count toward it. Last evaluated 2026-09-26.

Conditions:
Juvenile retinoschisis (RS1). Also called: X-Linked Juvenile Retinoschisis; X-linked retinoschisis. Identifiers: Orphanet 792, MedGen C3714753, MONDO:0010725, OMIM 312700.

Submissions (2):

ClinGen X-linked Inherited Retinal Disease Variant Curation Expert Panel, ClinGen
Classification: Likely pathogenic for Juvenile retinoschisis. Last evaluated: 2026-09-26. Review status: reviewed by expert panel. Criteria: ClinGen X LinkedIRD ACMG Specifications RS1 V1.0.0. Collection method: curation. Allele origin: germline. Inheritance: X-linked inheritance.
Comment: The NM_000330.4(RS1):c.643G>A (p.Glu215Lys) variant is a missense variant encoding the substitution of Glutamic acid and Lysine at amino acid 215. This variant is absent from hemizygous individuals in gnomAD v4.1.0 (PM2_Supporting). The computational predictor REVEL gives a score of 0.979, which is above the ClinGen X-linked IRD VCEP threshold of >0.932 and predicts a damaging effect on RS1 function (PP3_strong). The computational splicing predictor SpliceAI gives a delta score of 0.00 for all predictive splice changes, which is below the ClinGen X-linked IRD VCEP threshold of >0.2 and does not predict that the variant disrupts RS1 splicing. Another missense variant in the same codon, NM_000330.4(RS1):c.643G>C (p.Glu215Gln), (PMIDs: 19324861, 11598108, 9618178, 39462066) has been classified as pathogenic for X-linked retinoschisis by the ClinGen X-linked IRD VCEP, while no benign missense variants have been identified in this codon. The present variant has a higher Grantham’s distance (56) than the comparison variant (29), and SpliceAI has been used to confirm that neither variant has a predicted impact on RS1 splicing (PM5). At least one proband harboring this variant exhibits the following phenotypes, including the appearance of schisis and reduced visual acuity before age 13 years, which together are specific for X-linked retinoschisis (PMID: 33460243, PP4). This variant has been reported in at least 1 proband meeting one of the PS4 requirements of a male diagnosed with XLRS, as well as a second apparently unrelated proband previously used for the PP4 code (PMIDs: 10450864, PS4_Supporting). In summary, this variant is classified as likely pathogenic for X-linked retinoschisis based on the ClinGen X-linked Inherited Retinal Disease Expert Panel Specifications to the ACMG/AMP Variant Interpretation Guidelines for RS1 Version 1.0.0: PM2_Supporting, PP3_Strong, PM5, PP4, and PS4_Supporting.

Retina International
No classification provided. Review status: no classification provided. Collection method: not provided. Allele origin: unknown. Not counted in ClinVar's aggregate classification.